The following is an entry in ClinVar:

ClinVar aggregate classification (germline): Uncertain significance (1 of 4 stars; one submission).

Allele frequency attached by ClinVar (database versions not stated): gnomAD exomes below 0.00001; ExAC 0.00001.

Submission:

Labcorp Genetics (formerly Invitae), Labcorp
Classification: Uncertain significance. Last evaluated: 2021-09-24. Review status: criteria provided, single submitter. Criteria: Invitae Variant Classification Sherloc (09022015). Collection method: clinical testing. Allele origin: germline.
Comment: This sequence change replaces proline with serine at codon 392 of the CSGALNACT1 protein (p.Pro392Ser). The proline residue is highly conserved and there is a moderate physicochemical difference between proline and serine. This variant is present in population databases (rs756351855, ExAC 0.002%). This variant has not been reported in the literature in individuals with CSGALNACT1-related conditions. Algorithms developed to predict the effect of missense changes on protein structure and function are either unavailable or do not agree on the potential impact of this missense change (SIFT: "Deleterious"; PolyPhen-2: "Probably Damaging"; Align-GVGD: "Class C0"). In summary, the available evidence is currently insufficient to determine the role of this variant in disease. Therefore, it has been classified as a Variant of Uncertain Significance.

NM_001354483.2(CSGALNACT1):c.1174C>T (p.Pro392Ser)

Gene: CSGALNACT1 (chondroitin sulfate N-acetylgalactosaminyltransferase 1; minus strand). Cytogenetic location: 8p21.3.
Variant type: single nucleotide variant.
Coding change: c.1174C>T on transcript NM_001354483.2 (MANE Select); coding-DNA position 1174, C replaced by T.
Protein change: p.Pro392Ser; replaces proline 392 with serine.
Molecular consequence: missense variant. On other transcripts: non-coding transcript variant (7).
Genome position (GRCh38, 1-based): chr8:19,418,709, G>A on the plus strand (C>T on the coding strand, the complement: CSGALNACT1 is on the minus strand). VCF-style: chr8-19418709-G-A. GRCh37 (hg19) VCF-style: chr8-19276220-G-A.
Other names: c.1174C>T, p.Pro392Ser (NM_001130518.2, NM_001354475.2, NM_001354476.2 and 18 more transcripts); short protein forms P392S.
Identifiers: ClinVar variation 1430111 (VCV001430111.5), dbSNP rs756351855, ClinGen allele CA4653879.
Genomic context (GRCh38, chr8:19,418,709, plus strand): 5'-TACTCACCAGCTGCTGTTCCAAGGGAGGGACTGCATCATGGTGGCCGTATATTATGCCAG[G>A]ATTGTACTGACTGAAAAGAACTGGATAAAATACCTTCTTCCCTACAAACCAGAAAACAAA-3'
Protein context (NP_001341412.1, residues 382-402): FYPVLFSQYN[Pro392Ser]GIIYGHHDAV